The following is an entry in ClinVar:

ClinVar aggregate classification (germline): Uncertain significance (1 of 4 stars; one submission).

Conditions:
Inborn genetic diseases. Identifiers: MedGen C0950123, MeSH D030342.

Allele frequency attached by ClinVar (database versions not stated): gnomAD exomes below 0.00001; TOPMed 0.00001.
gnomAD v4.1: 2 of 1,611,800 alleles (0.00012%); highest among the groups gnomAD compares: Admixed American, 0.0017%; no homozygotes.

Submission:

Ambry Genetics
Classification: Uncertain significance for Inborn genetic diseases. Last evaluated: 2022-08-19. Review status: criteria provided, single submitter. Criteria: Ambry Variant Classification Scheme 2023. Collection method: clinical testing. Allele origin: germline.
Comment: The c.986-3C>T intronic alteration consists of a C to T substitution 3 nucleotides before coding exon 6 in the DCC gene. Based on insufficient or conflicting evidence, the clinical significance of this alteration remains unclear.

NM_005215.4(DCC):c.986-3C>T

Gene: DCC (DCC netrin 1 receptor; plus strand). Cytogenetic location: 18q21.2.
Variant type: single nucleotide variant.
Coding change: c.986-3C>T on transcript NM_005215.4 (MANE Select); 3 bases into the intron before coding-DNA position 986, C replaced by T.
Molecular consequence: intron variant.
Genome position (GRCh38, 1-based): chr18:53,063,302, C>T. VCF-style: chr18-53063302-C-T. GRCh37 (hg19) VCF-style: chr18-50589672-C-T.
Identifiers: ClinVar variation 2304010 (VCV002304010.2), dbSNP rs2042521952, ClinGen allele CA2303959509.